The following is an entry in ClinVar:

ClinVar aggregate classification (germline): Uncertain significance (1 of 4 stars; one submission).

Allele frequency attached by ClinVar (database versions not stated): gnomAD exomes below 0.00001.
gnomAD v4.1: 1 of 1,614,024 alleles (0.000062%); highest among the groups gnomAD compares: Non-Finnish European, 0.000085%; no homozygotes.

Submission:

GeneDx
Classification: Uncertain significance. Last evaluated: 2023-03-21. Review status: criteria provided, single submitter. Criteria: GeneDx Variant Classification Process June 2021. Collection method: clinical testing. Allele origin: germline. Affected: yes.
Comment: Not observed at significant frequency in large population cohorts (gnomAD); In silico analysis supports that this missense variant does not alter protein structure/function; Has not been previously published as pathogenic or benign to our knowledge

NM_014991.6(WDFY3):c.4006G>T (p.Val1336Leu)

Gene: WDFY3 (WD repeat and FYVE domain containing 3; minus strand). Cytogenetic location: 4q21.23.
Variant type: single nucleotide variant.
Coding change: c.4006G>T on transcript NM_014991.6 (MANE Select); coding-DNA position 4006, G replaced by T.
Protein change: p.Val1336Leu; replaces valine 1336 with leucine.
Molecular consequence: missense variant.
Genome position (GRCh38, 1-based): chr4:84,786,035, C>A on the plus strand (G>T on the coding strand, the complement: WDFY3 is on the minus strand). VCF-style: chr4-84786035-C-A. GRCh37 (hg19) VCF-style: chr4-85707188-C-A.
Other names: short protein forms V1336L.
Identifiers: ClinVar variation 2580476 (VCV002580476.1), dbSNP rs2533479963, ClinGen allele CA357553613.
Genomic context (GRCh38, chr4:84,786,035, plus strand): 5'-TTACCTGCTTAGCAATGGCTTTGCTATCCAATTTGTTATACACTTTCCGGATTCTTGCCA[C>A]TGTTAGAGACGACACAGAGAGTGCATAGAGGCCAAATGACACTTTCTCCTCTGGTACTAA-3'
Protein context (NP_055806.2, residues 1326-1346): LYALSVSSLT[Val1336Leu]ARIRKVYNKL